The following is an entry in ClinVar:

ClinVar aggregate classification (germline): Uncertain significance (1 of 4 stars; one submission).

Conditions:
Left ventricular noncompaction 1 (LVNC1). Also called: LEFT VENTRICULAR NONCOMPACTION 1 WITH OR WITHOUT CONGENITAL HEART DEFECTS. Identifiers: Orphanet 54260, MedGen C1858725, MONDO:0011403, OMIM 604169.

Allele frequency attached by ClinVar (database versions not stated): gnomAD exomes 0.00001.
gnomAD v4.1: 3 of 1,613,450 alleles (0.00019%); highest among the groups gnomAD compares: Admixed American, 0.0033%; no homozygotes.

Submission:

Labcorp Genetics (formerly Invitae), Labcorp
Classification: Uncertain significance for Left ventricular noncompaction 1. Last evaluated: 2022-11-01. Review status: criteria provided, single submitter. Criteria: Invitae Variant Classification Sherloc (09022015). Collection method: clinical testing. Allele origin: germline.
Comment: This sequence change replaces threonine, which is neutral and polar, with alanine, which is neutral and non-polar, at codon 11 of the DTNA protein (p.Thr11Ala). This variant is not present in population databases (gnomAD no frequency). This variant has not been reported in the literature in individuals affected with DTNA-related conditions. Advanced modeling of protein sequence and biophysical properties (such as structural, functional, and spatial information, amino acid conservation, physicochemical variation, residue mobility, and thermodynamic stability) performed at Invitae indicates that this missense variant is not expected to disrupt DTNA protein function. In summary, the available evidence is currently insufficient to determine the role of this variant in disease. Therefore, it has been classified as a Variant of Uncertain Significance.

NM_001386795.1(DTNA):c.31A>G (p.Thr11Ala)

Genes: DTNA (dystrobrevin alpha; plus strand), DTNA-AS1 (DTNA antisense RNA 1; minus strand). Cytogenetic location: 18q12.1.
Variant type: single nucleotide variant.
Coding change: c.31A>G on transcript NM_001386795.1 (MANE Select); coding-DNA position 31, A replaced by G.
Protein change: p.Thr11Ala; replaces threonine 11 with alanine.
Molecular consequence: missense variant.
Genome position (GRCh38, 1-based): chr18:34,756,007, A>G. VCF-style: chr18-34756007-A-G. GRCh37 (hg19) VCF-style: chr18-32335971-A-G.
Other names: c.31A>G, p.Thr11Ala (NM_001198940.2, NM_001198941.2, NM_001198945.2 and 35 more transcripts); short protein forms T11A.
Identifiers: ClinVar variation 2145921 (VCV002145921.4), dbSNP rs2092743024, ClinGen allele CA402274298.